The following is an entry in ClinVar:

NM_001174089.2(SLC4A11):c.1838G>A (p.Arg613Gln)

Gene: SLC4A11 (solute carrier family 4 member 11; minus strand). Cytogenetic location: 20p13.
Variant type: single nucleotide variant.
Coding change: c.1838G>A on transcript NM_001174089.2 (MANE Select); coding-DNA position 1838, G replaced by A.
Protein change: p.Arg613Gln; replaces arginine 613 with glutamine.
Molecular consequence: missense variant. On other transcripts: non-coding transcript variant (3).
Genome position (GRCh38, 1-based): chr20:3,229,357, C>T on the plus strand (G>A on the coding strand, the complement: SLC4A11 is on the minus strand). VCF-style: chr20-3229357-C-T. GRCh37 (hg19) VCF-style: chr20-3210003-C-T.
Other names: c.1967G>A, p.Arg656Gln (NM_001174090.2); c.1724G>A, p.Arg575Gln (NM_001363745.2); c.1781G>A, p.Arg594Gln (NM_001400277.1, NM_001400278.1, NM_001400279.1); c.1853G>A, p.Arg618Gln (NM_001400280.1); c.1886G>A, p.Arg629Gln (NM_032034.4); c.1886G>A (NM_032034.3); short protein forms R629Q, R594Q, R613Q, R575Q, R618Q, R656Q.
Identifiers: ClinVar variation 2143945 (VCV002143945.2), dbSNP rs150446005, ClinGen allele CA9741708.
Genomic context (GRCh38, chr20:3,229,357, plus strand): 5'-AGCGCCTGGGGAGCTACCCCACGTCACCCACCGCCCGGCCCCAACTCACTCTCGATTTCC[C>T]GGAAGCCATGGGAGCTGATGAGGGAGAAGGCGAGCACCGCGATGGGCAGGGCGCAGTCGG-3'
Protein context (NP_001167560.1, residues 603-623): AFSLISSHGF[Arg613Gln]EIEMSKFRYN

ClinVar aggregate classification (germline): Conflicting classifications of pathogenicity. Review status: criteria provided, conflicting classifications (1 of 4 stars). 2 submissions from 2 submitters: Uncertain significance (1); Likely benign (1). Last evaluated 2025-09-28.

Conditions:
Inborn genetic diseases. Identifiers: MedGen C0950123, MeSH D030342.

Allele frequency attached by ClinVar (database versions not stated): ESP Exome Variant Server 0.00008; TOPMed 0.00002; ExAC 0.00003; gnomAD 0.00001.
gnomAD v4.1: 88 of 1,613,150 alleles (0.0055%); highest among the groups gnomAD compares: Non-Finnish European, 0.0071%; 1 homozygote.

Submissions (2):

Ambry Genetics
Classification: Likely benign for Inborn genetic diseases. Last evaluated: 2025-09-28. Review status: criteria provided, single submitter. Criteria: Ambry Variant Classification Scheme 2023. Collection method: clinical testing. Allele origin: germline.

Labcorp Genetics (formerly Invitae), Labcorp
Classification: Uncertain significance. Last evaluated: 2022-09-27. Review status: criteria provided, single submitter. Criteria: Invitae Variant Classification Sherloc (09022015). Collection method: clinical testing. Allele origin: germline.
Comment: This sequence change replaces arginine, which is basic and polar, with glutamine, which is neutral and polar, at codon 629 of the SLC4A11 protein (p.Arg629Gln). This variant is present in population databases (rs150446005, gnomAD 0.008%). This variant has not been reported in the literature in individuals affected with SLC4A11-related conditions. Algorithms developed to predict the effect of missense changes on protein structure and function output the following: SIFT: "Tolerated"; PolyPhen-2: "Benign"; Align-GVGD: "Class C0". The glutamine amino acid residue is found in multiple mammalian species, which suggests that this missense change does not adversely affect protein function. Algorithms developed to predict the effect of sequence changes on RNA splicing suggest that this variant may create or strengthen a splice site. In summary, the available evidence is currently insufficient to determine the role of this variant in disease. Therefore, it has been classified as a Variant of Uncertain Significance.